The following is an entry in ClinVar:

ClinVar aggregate classification (germline): Uncertain significance (1 of 4 stars; one submission).

Conditions:
Bethlem myopathy 1A. Also called: MYOPATHY, BENIGN CONGENITAL, WITH CONTRACTURES; Bethlem myopathy 1; Bethlem Muscular Dystrophy. Identifiers: Orphanet 610, MedGen CN029274, MONDO:0024530, OMIM 158810.

gnomAD v4.1: 18 of 1,607,728 alleles (0.0011%); highest among the groups gnomAD compares: South Asian, 0.02%; no homozygotes.

Submission:

Labcorp Genetics (formerly Invitae), Labcorp
Classification: Uncertain significance for Bethlem myopathy 1A. Last evaluated: 2025-08-01. Review status: criteria provided, single submitter. Criteria: Invitae Variant Classification Sherloc (09022015). Collection method: clinical testing. Allele origin: germline.
Comment: This sequence change replaces aspartic acid, which is acidic and polar, with glycine, which is neutral and non-polar, at codon 451 of the COL6A3 protein (p.Asp451Gly). This variant is present in population databases (rs759615424, gnomAD 0.02%). This variant has not been reported in the literature in individuals affected with COL6A3-related conditions. Invitae Evidence Modeling of protein sequence and biophysical properties (such as structural, functional, and spatial information, amino acid conservation, physicochemical variation, residue mobility, and thermodynamic stability) has been performed for this missense variant. However, the output from this modeling did not meet the statistical confidence thresholds required to predict the impact of this variant on COL6A3 protein function. In summary, the available evidence is currently insufficient to determine the role of this variant in disease. Therefore, it has been classified as a Variant of Uncertain Significance.

NM_004369.4(COL6A3):c.1352A>G (p.Asp451Gly)

Gene: COL6A3 (collagen type VI alpha 3 chain; minus strand). Cytogenetic location: 2q37.3.
Variant type: single nucleotide variant.
Coding change: c.1352A>G on transcript NM_004369.4 (MANE Select); coding-DNA position 1352, A replaced by G.
Protein change: p.Asp451Gly; replaces aspartic acid 451 with glycine.
Molecular consequence: missense variant.
Genome position (GRCh38, 1-based): chr2:237,381,460, T>C on the plus strand (A>G on the coding strand, the complement: COL6A3 is on the minus strand). VCF-style: chr2-237381460-T-C. GRCh37 (hg19) VCF-style: chr2-238290103-T-C.
Other names: c.131A>G, p.Asp44Gly (NM_057164.5, NM_057166.5); c.734A>G, p.Asp245Gly (NM_057165.5, NM_057167.4); short protein forms D44G, D245G, D451G.
Identifiers: ClinVar variation 4738716 (VCV004738716.1).